The following is an entry in ClinVar:

NM_000535.7(PMS2):c.312T>C (p.Phe104=)

Gene: PMS2 (PMS1 homolog 2, mismatch repair system component; minus strand). Cytogenetic location: 7p22.1.
Variant type: single nucleotide variant.
Coding change: c.312T>C on transcript NM_000535.7 (MANE Select); coding-DNA position 312, T replaced by C.
Protein change: p.Phe104=; no amino-acid change (phenylalanine 104 retained).
Molecular consequence: synonymous variant. On other transcripts: 5 prime UTR variant (9), non-coding transcript variant (1), intron variant (2).
Genome position (GRCh38, 1-based): chr7:6,003,731, A>G on the plus strand (T>C on the coding strand, the complement: PMS2 is on the minus strand). VCF-style: chr7-6003731-A-G. GRCh37 (hg19) VCF-style: chr7-6043362-A-G.
Other names: c.-94T>C (NM_001322010.2, NM_001322013.2, NM_001322003.2 and 3 more transcripts); c.-573T>C (NM_001322011.2, NM_001322012.2); c.-173T>C (NM_001322015.2); c.312T>C, p.Phe104= (NM_001322014.2, NM_001322006.2); c.35+241T>C (NM_001322008.2, NM_001322007.2).
Identifiers: ClinVar variation 480335 (VCV000480335.21), dbSNP rs778519215, ClinGen allele CA049113.
Genomic context (GRCh38, chr7:6,003,731, plus strand): 5'-GATAAAAATATTGTATCACCTCAGTGCACAAAGTGAGCTCAGAGCTTCCCCCCGAAAGCC[A>G]AAAGTTTCAACCTGAGTTAGGTCGGCAAACTCTTGAATCTTAGATGTGTGATGTTTCAGA-3'
Protein context (NP_000526.2, residues 94-114): EFADLTQVET[Phe104=]GFRGEALSSL

ClinVar aggregate classification (germline): Benign/Likely benign. Review status: criteria provided, multiple submitters, no conflicts (2 of 4 stars). 6 submissions from 6 submitters: Benign (1); Likely benign (5). Last evaluated 2025-11-24.

Conditions:
Hereditary nonpolyposis colorectal neoplasms. Identifiers: MedGen C0009405, MeSH D003123.
Lynch syndrome. Identifiers: Orphanet 144, MedGen C4552100, MONDO:0005835. Disease mechanism: loss of function.
Lynch syndrome 4 (LYNCH4). Also called: Colorectal cancer, hereditary nonpolyposis, type 4; Hereditary non-polyposis colorectal cancer, type 4. Identifiers: Orphanet 144, MedGen C1838333, MONDO:0013699, OMIM 614337. Disease mechanism: loss of function.
Hereditary cancer-predisposing syndrome. Also called: Hereditary Cancer Syndrome; Neoplastic Syndromes, Hereditary; Tumor predisposition; Hereditary neoplastic syndrome. Identifiers: Orphanet 140162, MedGen C0027672, MeSH D009386, MONDO:0015356.

Allele frequency attached by ClinVar (database versions not stated): gnomAD exomes below 0.00001; ExAC 0.00002.
gnomAD v4.1: 1 of 1,600,978 alleles (0.000062%); highest among the groups gnomAD compares: Non-Finnish European, 0.000085%; no homozygotes.

Submissions (6):

Labcorp Genetics (formerly Invitae), Labcorp
Classification: Likely benign for Hereditary nonpolyposis colorectal neoplasms. Last evaluated: 2025-11-24. Review status: criteria provided, single submitter. Criteria: Invitae Variant Classification Sherloc (09022015). Collection method: clinical testing. Allele origin: germline.

Myriad Genetics, Inc.
Classification: Benign for Lynch syndrome 4. Last evaluated: 2025-01-24. Review status: criteria provided, single submitter. Criteria: Myriad Autosomal Dominant, Autosomal Recessive and X-Linked Classification Criteria (2023). Collection method: clinical testing. Allele origin: unknown.
Comment: This variant is considered benign. This variant is a silent/synonymous amino acid change and it is not expected to impact splicing.

All of Us Research Program, National Institutes of Health
Classification: Likely benign for Lynch syndrome. Last evaluated: 2024-09-23. Review status: criteria provided, single submitter. Criteria: ACMG Guidelines, 2015. Collection method: clinical testing. Allele origin: germline. Inheritance: Autosomal dominant inheritance. Observed: 1 variant allele, 1 heterozygote.
Comment: This study involves interpretation of variants in research participants for the purpose of population health screening. Participant phenotype was not available at the time of variant classification. Additional details can be found in publication PMID: 35346344, PMCID: PMC8962531

Department of Pathology and Laboratory Medicine, Sinai Health System
Classification: Likely benign for Lynch syndrome. Last evaluated: 2024-01-22. Review status: criteria provided, single submitter. Criteria: ACMG Guidelines, 2015. Collection method: clinical testing. Allele origin: germline. Affected: yes.

Color Diagnostics, LLC DBA Color Health
Classification: Likely benign for Hereditary cancer-predisposing syndrome. Last evaluated: 2018-12-02. Review status: criteria provided, single submitter. Criteria: ACMG Guidelines, 2015. Collection method: clinical testing. Allele origin: germline.

Ambry Genetics
Classification: Likely benign for Hereditary cancer-predisposing syndrome. Last evaluated: 2016-10-17. Review status: criteria provided, single submitter. Criteria: Ambry Variant Classification Scheme 2023. Collection method: clinical testing. Allele origin: germline.